The following is an entry in ClinVar:

NM_003000.3(SDHB):c.350T>C (p.Ile117Thr)

Gene: SDHB (succinate dehydrogenase complex iron sulfur subunit B; minus strand). Cytogenetic location: 1p36.13.
Variant type: single nucleotide variant.
Coding change: c.350T>C on transcript NM_003000.3 (MANE Select); coding-DNA position 350, T replaced by C.
Protein change: p.Ile117Thr; replaces isoleucine 117 with threonine.
Molecular consequence: missense variant.
Genome position (GRCh38, 1-based): chr1:17,028,673, A>G on the plus strand (T>C on the coding strand, the complement: SDHB is on the minus strand). VCF-style: chr1-17028673-A-G. GRCh37 (hg19) VCF-style: chr1-17355168-A-G.
Other names: short protein forms I117T.
Identifiers: ClinVar variation 528746 (VCV000528746.15), dbSNP rs1553177755, ClinGen allele CA338274586.

ClinVar aggregate classification (germline): Uncertain significance. Review status: criteria provided, multiple submitters, no conflicts (2 of 4 stars). 4 submissions from 4 submitters: Uncertain significance (4). Last evaluated 2026-08-06.

Conditions:
Hereditary cancer-predisposing syndrome. Also called: Hereditary neoplastic syndrome; Hereditary Cancer Syndrome; Neoplastic Syndromes, Hereditary; Tumor predisposition. Identifiers: Orphanet 140162, MedGen C0027672, MeSH D009386, MONDO:0015356.
Pheochromocytoma/paraganglioma syndrome 4. Also called: Paragangliomas 4; CAROTID BODY TUMORS AND MULTIPLE EXTRAADRENAL PHEOCHROMOCYTOMAS; SDHB-Related Hereditary Paraganglioma-Pheochromocytoma Syndrome (Paragangliomas 4); PARAGANGLIOMA, FAMILIAL MALIGNANT; PARAGANGLIOMAS, HEREDITARY EXTRAADRENAL; PHEOCHROMOCYTOMA, FAMILIAL EXTRAADRENAL. Identifiers: Orphanet 29072, MedGen C1861848, MONDO:0007273, OMIM 115310.
Gastrointestinal stromal tumor. Also called: Gastrointestinal stroma tumor; Gastrointestinal stromal tumor, somatic. Identifiers: Orphanet 44890, MedGen C0238198, MeSH D046152, MONDO:0011719, OMIM 606764, HP:0100723.
Pheochromocytoma. Also called: MAX-Related Hereditary Paraganglioma-Pheochromocytoma Syndrome. Identifiers: Orphanet 29072, MedGen C0031511, MONDO:0008233, OMIM 171300, HP:0002666.

Allele frequency attached by ClinVar (database versions not stated): gnomAD exomes below 0.00001; gnomAD 0.00001; TOPMed 0.00001.
gnomAD v4.1: 4 of 1,614,054 alleles (0.00025%); highest among the groups gnomAD compares: African/African-American, 0.0027%; no homozygotes.

Submissions (4):

OLLIN Analises Genomicas, OLLIN
Classification: Uncertain significance for Pheochromocytoma/paraganglioma syndrome 4. Last evaluated: 2026-08-06. Review status: criteria provided, single submitter. Criteria: ACMG Guidelines 2015 PMID 25741868. Collection method: clinical testing. Allele origin: germline.
Comment: This missense variant, located in exon 4 (of 8), has been reported in ClinVar (accession VCV000528746.14) and in gnomAD with an allele frequency of 0.00025%. However, to our knowledge, it has not been reported in the scientific literature. In silico analysis predicts that this variant has a deleterious effect. This variant is located in a region considered to be a mutational hotspot. According to the currently available evidence, this variant has been classified as uncertain significance (PM1, PP3_M).

Ambry Genetics
Classification: Uncertain significance for Hereditary cancer-predisposing syndrome. Last evaluated: 2026-04-02. Review status: criteria provided, single submitter. Criteria: Ambry Variant Classification Scheme 2023. Collection method: clinical testing. Allele origin: germline.
Comment: The p.I117T variant (also known as c.350T>C), located in coding exon 4 of the SDHB gene, results from a T to C substitution at nucleotide position 350. The isoleucine at codon 117 is replaced by threonine, an amino acid with similar properties. This amino acid position is highly conserved in available vertebrate species. In addition, this alteration is predicted to be deleterious by in silico analysis. Based on the available evidence, the clinical significance of this variant remains unclear.

Labcorp Genetics (formerly Invitae), Labcorp
Classification: Uncertain significance for Gastrointestinal stromal tumor; Pheochromocytoma/paraganglioma syndrome 4; Pheochromocytoma. Last evaluated: 2026-01-04. Review status: criteria provided, single submitter. Criteria: Invitae Variant Classification Sherloc (09022015). Collection method: clinical testing. Allele origin: germline.
Comment: This sequence change replaces isoleucine, which is neutral and non-polar, with threonine, which is neutral and polar, at codon 117 of the SDHB protein (p.Ile117Thr). This variant is not present in population databases (gnomAD no frequency). This variant has not been reported in the literature in individuals affected with SDHB-related conditions. ClinVar contains an entry for this variant (Variation ID: 528746). Invitae Evidence Modeling of protein sequence and biophysical properties (such as structural, functional, and spatial information, amino acid conservation, physicochemical variation, residue mobility, and thermodynamic stability) indicates that this missense variant is not expected to disrupt SDHB protein function with a negative predictive value of 80%. In summary, the available evidence is currently insufficient to determine the role of this variant in disease. Therefore, it has been classified as a Variant of Uncertain Significance.

GeneDx
Classification: Uncertain significance. Last evaluated: 2024-05-22. Review status: criteria provided, single submitter. Criteria: GeneDx Variant Classification Process June 2021. Collection method: clinical testing. Allele origin: germline. Affected: yes.
Comment: Not observed at significant frequency in large population cohorts (gnomAD); In silico analysis supports that this missense variant has a deleterious effect on protein structure/function; Has not been previously published as pathogenic or benign to our knowledge